The following is an entry in ClinVar:

ClinVar aggregate classification (germline): Uncertain significance (1 of 4 stars; one submission).

gnomAD v4.1: 1 of 1,614,112 alleles (0.000062%); highest among the groups gnomAD compares: Non-Finnish European, 0.000085%; no homozygotes.

Submission:

Women's Health and Genetics/Laboratory Corporation of America, LabCorp
Classification: Uncertain significance. Last evaluated: 2025-12-04. Review status: criteria provided, single submitter. Criteria: LabCorp Variant Classification Summary - May 2015. Collection method: clinical testing. Allele origin: germline.
Comment: Variant summary: USH2A c.4711G>C (p.Ala1571Pro) results in a non-conservative amino acid change in the encoded protein sequence. Algorithms developed to predict the effect of missense changes on protein structure and function all suggest that this variant is likely to be disruptive. The variant was absent in 251270 control chromosomes. c.4711G>C has been observed in the presumed compound heterozygous state in at least 2 individual(s) affected with clinical features of inherited retinal disease or Usher Syndrome (example, Testa_2025, Wafa_2021). These data indicate that the variant may be associated with disease. To our knowledge, no experimental evidence demonstrating an impact on protein function has been reported. The following publications have been ascertained in the context of this evaluation (PMID: 32098976, 40900079, 33089500, 36034145, 28894305, 36460718, 25425308). No submitters have cited clinical-significance assessments for this variant to ClinVar. Based on the evidence outlined above, the variant was classified as VUS-possibly pathogenic.

Literature cited by the submitters: PubMed 25425308; PubMed 33089500; PubMed 28894305; PubMed 32098976; PubMed 36460718; PubMed 36034145; PubMed 40900079.

NM_206933.4(USH2A):c.4711G>C (p.Ala1571Pro)

Gene: USH2A (usherin; minus strand). Cytogenetic location: 1q41.
Variant type: single nucleotide variant.
Coding change: c.4711G>C on transcript NM_206933.4 (MANE Select); coding-DNA position 4711, G replaced by C.
Protein change: p.Ala1571Pro; replaces alanine 1571 with proline.
Molecular consequence: missense variant.
Genome position (GRCh38, 1-based): chr1:216,097,130, C>G on the plus strand (G>C on the coding strand, the complement: USH2A is on the minus strand). VCF-style: chr1-216097130-C-G. GRCh37 (hg19) VCF-style: chr1-216270472-C-G.
Other names: short protein forms A1571P.
Identifiers: ClinVar variation 4688561 (VCV004688561.1).